The following is an entry in ClinVar:

NM_000038.6(APC):c.853_859dup (p.Glu287delinsGlyProTer)

Gene: APC (APC regulator of Wnt signaling pathway; plus strand). Cytogenetic location: 5q22.2.
Variant type: Duplication.
Coding change: c.853_859dup on transcript NM_000038.6 (MANE Select); coding-DNA positions 853 to 859, 7 bases duplicated (GACCATG; older notation c.853_859dupGACCATG).
Protein change: p.Glu287delinsGlyProTer.
Molecular consequence: nonsense. On other transcripts: initiator codon variant (4), non-coding transcript variant (2).
Genome position (GRCh38, 1-based): chr5:112,815,513-112,815,519, GACCATG duplicated; duplicating any 7 consecutive bases within chr5:112,815,510-112,815,519 gives the same sequence; the c. name uses the placement nearest the transcript's 3' end. VCF-style (leftmost placement, unchanged base first): chr5-112815509-A-AATGGACC. GRCh37 (hg19) VCF-style: chr5-112151206-A-AATGGACC.
Other names: c.853_859dup, p.Glu287delinsGlyProTer (NM_001127510.3, NM_001354895.2, NM_001354896.2 and 12 more transcripts); c.799_805dup, p.Glu269delinsGlyProTer (NM_001127511.3); c.883_889dup, p.Glu297delinsGlyProTer (NM_001354897.2, NM_001354902.2, NM_001407446.1); c.778_784dup, p.Glu262delinsGlyProTer (NM_001354898.2, NM_001354904.2, NM_001407451.1); c.769_775dup, p.Glu259delinsGlyProTer (NM_001354899.2, NM_001407452.1, NM_001407467.1 and 1 more transcripts); c.676_682dup, p.Glu228delinsGlyProTer (NM_001354900.2, NM_001354901.2, NM_001354905.2 and 1 more transcripts); c.4_10dup, p.Glu4delinsGlyProTer (NM_001354906.2, NM_001407470.1, NM_001407471.1 and 1 more transcripts).
Identifiers: ClinVar variation 2583458 (VCV002583458.2), dbSNP rs2532965799, ClinGen allele CA2582341263.
Genomic context (GRCh38, chr5:112,815,509, plus strand): 5'-TACCTATAGTCTAAATTATACCATCTATAATGTGCTTAATTTTTAGGGTTCAACTACACG[A>AATGGACC]ATGGACCATGAAACAGCCAGTGTTTTGAGTTCTAGTAGCACACACTCTGCACCTCGAAGG-3'

ClinVar aggregate classification (germline): Pathogenic (1 of 4 stars; one submission).

Conditions:
Familial adenomatous polyposis 1 (FAP1). Also called: POLYPOSIS, ADENOMATOUS INTESTINAL; FAMILIAL ADENOMATOUS POLYPOSIS 1, ATTENUATED. Identifiers: MedGen C2713442, MONDO:0021056, OMIM 175100. Disease mechanism: loss of function.

Submission:

Myriad Genetics, Inc.
Classification: Pathogenic for Familial adenomatous polyposis 1. Last evaluated: 2023-04-27. Review status: criteria provided, single submitter. Criteria: Myriad Autosomal Dominant, Autosomal Recessive and X-Linked Classification Criteria (2023). Collection method: clinical testing. Allele origin: unknown.
Comment: This variant is considered pathogenic. This variant creates a frameshift predicted to result in premature protein truncation.